The following is an entry in ClinVar:

ClinVar aggregate classification (germline): Benign/Likely benign. Review status: criteria provided, multiple submitters, no conflicts (2 of 4 stars). 2 submissions from 2 submitters: Benign (1); Likely benign (1). Last evaluated 2026-04-15.

Conditions:
DICER1-related tumor predisposition. Also called: DICER1-related pleuropulmonary blastoma cancer predisposition syndrome; DICER1 syndrome. Identifiers: Orphanet 284343, MedGen C3839822, MONDO:0100216.

Submissions (2):

Myriad Genetics, Inc.
Classification: Benign for DICER1-related tumor predisposition. Last evaluated: 2026-04-15. Review status: criteria provided, single submitter. Criteria: Myriad Autosomal Dominant, Autosomal Recessive and X-Linked Classification Criteria (2023). Collection method: clinical testing. Allele origin: unknown.
Comment: This variant is considered benign. This variant is a silent/synonymous amino acid change and it is not expected to impact splicing.

Labcorp Genetics (formerly Invitae), Labcorp
Classification: Likely benign for DICER1-related tumor predisposition. Last evaluated: 2025-10-08. Review status: criteria provided, single submitter. Criteria: Invitae Variant Classification Sherloc (09022015). Collection method: clinical testing. Allele origin: germline.

NM_177438.3(DICER1):c.408G>A (p.Glu136=)

Gene: DICER1 (dicer 1, ribonuclease III; minus strand). Cytogenetic location: 14q32.13.
Variant type: single nucleotide variant.
Coding change: c.408G>A on transcript NM_177438.3 (MANE Select); coding-DNA position 408, G replaced by A.
Protein change: p.Glu136=; no amino-acid change (glutamic acid 136 retained).
Molecular consequence: synonymous variant. On other transcripts: 5 prime UTR variant (2), non-coding transcript variant (5), intron variant (6).
Genome position (GRCh38, 1-based): chr14:95,131,539, C>T on the plus strand (G>A on the coding strand, the complement: DICER1 is on the minus strand). VCF-style: chr14-95131539-C-T. GRCh37 (hg19) VCF-style: chr14-95597876-C-T.
Other names: c.408G>A, p.Glu136= (NM_001195573.1, NM_001271282.3, NM_001291628.2 and 14 more transcripts); c.126G>A, p.Glu42= (NM_001395686.1); c.-51G>A (NM_001395691.1); c.-1161G>A (NM_001395697.1); c.33+976G>A (NM_001395690.1, NM_001395687.1, NM_001395689.1 and 3 more transcripts).
Identifiers: ClinVar variation 4772364 (VCV004772364.2).